The following is an entry in ClinVar:

NM_139058.3(ARX):c.808G>A (p.Ala270Thr)

Gene: ARX (aristaless related homeobox; minus strand). Cytogenetic location: Xp21.3.
Variant type: single nucleotide variant.
Coding change: c.808G>A on transcript NM_139058.3 (MANE Select); coding-DNA position 808, G replaced by A.
Protein change: p.Ala270Thr; replaces alanine 270 with threonine.
Molecular consequence: missense variant.
Genome position (GRCh38, 1-based): chrX:25,013,187, C>T on the plus strand (G>A on the coding strand, the complement: ARX is on the minus strand). VCF-style: chrX-25013187-C-T. GRCh37 (hg19) VCF-style: chrX-25031304-C-T.
Other names: short protein forms A270T.
Identifiers: ClinVar variation 379078 (VCV000379078.4), dbSNP rs1057520487, ClinGen allele CA16608410.

ClinVar aggregate classification (germline): Conflicting classifications of pathogenicity. Review status: criteria provided, conflicting classifications (1 of 4 stars). 2 submissions from 2 submitters: Uncertain significance (1); Likely benign (1). Last evaluated 2022-01-28.

Conditions:
Developmental and epileptic encephalopathy, 1 (DEE1). Also called: INFANTILE SPASM SYNDROME, X-LINKED 1; X-Linked Infantile Spasm Syndrome; X-linked infantile spasms; West's syndrome; Tonic spasms with clustering, arrest of psychomotor development and hypsarrhythmia on EEG; Epileptic encephalopathy, early infantile, 1. Identifiers: MedGen C3463992, MONDO:0010632, OMIM 308350. Disease mechanism: loss of function.
Intellectual disability, X-linked, with or without seizures, ARX-related. Also called: Mental retardation, X-linked 52; MENTAL RETARDATION, X-LINKED 29; MENTAL RETARDATION, X-LINKED 32; MENTAL RETARDATION, X-LINKED 33; MENTAL RETARDATION, X-LINKED 38; MENTAL RETARDATION, X-LINKED 43. Identifiers: Orphanet 777, MedGen C0796244, MONDO:0010317, OMIM 300419.

Allele frequency attached by ClinVar (database versions not stated): gnomAD exomes 0.00002.
gnomAD v4.1: 24 of 1,182,397 alleles (0.002%); highest among the groups gnomAD compares: Non-Finnish European, 0.0026%; no homozygotes.

Submissions (2):

Labcorp Genetics (formerly Invitae), Labcorp
Classification: Uncertain significance for Developmental and epileptic encephalopathy, 1; Intellectual disability, X-linked, with or without seizures, ARX-related. Last evaluated: 2022-01-28. Review status: criteria provided, single submitter. Criteria: Invitae Variant Classification Sherloc (09022015). Collection method: clinical testing. Allele origin: germline.
Comment: This sequence change replaces alanine, which is neutral and non-polar, with threonine, which is neutral and polar, at codon 270 of the ARX protein (p.Ala270Thr). This variant is not present in population databases (gnomAD no frequency). This variant has not been reported in the literature in individuals affected with ARX-related conditions. ClinVar contains an entry for this variant (Variation ID: 379078). Advanced modeling of protein sequence and biophysical properties (such as structural, functional, and spatial information, amino acid conservation, physicochemical variation, residue mobility, and thermodynamic stability) performed at Invitae indicates that this missense variant is not expected to disrupt ARX protein function. In summary, the available evidence is currently insufficient to determine the role of this variant in disease. Therefore, it has been classified as a Variant of Uncertain Significance.

GeneDx
Classification: Likely benign. Last evaluated: 2016-01-06. Review status: criteria provided, single submitter. Criteria: GeneDx Variant Classification (06012015). Collection method: clinical testing. Allele origin: germline. Affected: yes.
Comment: This variant is considered likely benign or benign based on one or more of the following criteria: it is a conservative change, it occurs at a poorly conserved position in the protein, it is predicted to be benign by multiple in silico algorithms, and/or has population frequency not consistent with disease.